The following is an entry in ClinVar:

ClinVar aggregate classification (germline): Pathogenic (1 of 4 stars; one submission).

Conditions:
Intellectual disability, autosomal recessive 53 (NEDHSCA). Also called: GLYCOSYLPHOSPHATIDYLINOSITOL BIOSYNTHESIS DEFECT 13; Mental retardation, autosomal recessive 53; NEURODEVELOPMENTAL DISORDER WITH OR WITHOUT HYPOTONIA, SEIZURES, AND CEREBELLAR ATROPHY. Identifiers: Orphanet 488635, MedGen C4310794, MONDO:0014832, OMIM 616917.

Allele frequency attached by ClinVar (database versions not stated): TOPMed below 0.00001; gnomAD 0.00001; gnomAD exomes below 0.00001.
gnomAD v4.1: 4 of 1,613,754 alleles (0.00025%); highest among the groups gnomAD compares: African/African-American, 0.0013%; no homozygotes.

Submission:

Labcorp Genetics (formerly Invitae), Labcorp
Classification: Pathogenic for Intellectual disability, autosomal recessive 53. Last evaluated: 2024-07-20. Review status: criteria provided, single submitter. Criteria: Invitae Variant Classification Sherloc (09022015). Collection method: clinical testing. Allele origin: germline.
Comment: This sequence change creates a premature translational stop signal (p.Trp208*) in the PIGG gene. It is expected to result in an absent or disrupted protein product. Loss-of-function variants in PIGG are known to be pathogenic (PMID: 26996948, 28581210, 28771251). This variant is present in population databases (no rsID available, gnomAD 0.01%). This variant has not been reported in the literature in individuals affected with PIGG-related conditions. ClinVar contains an entry for this variant (Variation ID: 1070171). Algorithms developed to predict the effect of sequence changes on RNA splicing suggest that this variant may disrupt the consensus splice site. For these reasons, this variant has been classified as Pathogenic.

Literature cited by the submitters: PubMed 26996948; PubMed 28581210; PubMed 28771251.

NM_001127178.3(PIGG):c.624G>A (p.Trp208Ter)

Gene: PIGG (phosphatidylinositol glycan anchor biosynthesis class G (EMM blood group); plus strand). Cytogenetic location: 4p16.3.
Variant type: single nucleotide variant.
Coding change: c.624G>A on transcript NM_001127178.3 (MANE Select); coding-DNA position 624, G replaced by A.
Protein change: p.Trp208Ter; replaces tryptophan 208 with a stop codon.
Molecular consequence: nonsense. On other transcripts: 5 prime UTR variant (4), non-coding transcript variant (10), intron variant (1).
Genome position (GRCh38, 1-based): chr4:507,458, G>A. VCF-style: chr4-507458-G-A. GRCh37 (hg19) VCF-style: chr4-501247-G-A.
Other names: c.357G>A, p.Trp119Ter (NM_001289051.2, NM_001289053.2, NM_001289057.2 and 2 more transcripts); c.258G>A, p.Trp86Ter (NM_001289055.2); c.-264G>A (NM_001345988.2); c.624G>A, p.Trp208Ter (NM_001345989.2, NM_017733.5); c.-1002G>A (NM_001345990.2); c.-864G>A (NM_001345991.2); c.-589G>A (NM_001345994.2); c.361-1371G>A (NM_001289052.2); short protein forms W119*, W208*, W86*.
Identifiers: ClinVar variation 1070171 (VCV001070171.7), dbSNP rs1553880152, ClinGen allele CA355896905.